The following is an entry in ClinVar:

NM_006941.4(SOX10):c.106_107del (p.Gly36fs)

Genes: POLR2F (RNA polymerase II, I and III subunit F; plus strand), SOX10 (SRY-box transcription factor 10; minus strand). Cytogenetic location: 22q13.1.
Variant type: Deletion.
Coding change: c.106_107del on transcript NM_006941.4 (MANE Select); coding-DNA positions 106 to 107, 2 bases deleted (GG; older notation c.106_107delGG).
Protein change: p.Gly36fs; shifts the reading frame from glycine 36.
Molecular consequence: frameshift variant. On other transcripts: intron variant (3).
Genome position (GRCh38, 1-based): chr22:37,983,678-37,983,679, CC deleted on the plus strand (GG on the coding strand, the reverse complement: SOX10 is on the minus strand). VCF-style (leftmost placement, unchanged base first): chr22-37983677-GCC-G. GRCh37 (hg19) VCF-style: chr22-38379684-GCC-G.
Other names: c.*38+11368_*38+11369del (NM_001363825.1); c.294-2476_294-2475del (NM_001301130.2); c.293+16508_293+16509del (NM_001301131.2); short protein forms G36fs.
Identifiers: ClinVar variation 3601799 (VCV003601799.1).

ClinVar aggregate classification (germline): Likely pathogenic (1 of 4 stars; one submission).

Conditions:
Waardenburg syndrome type 4C (WS4C). Also called: WAARDENBURG SYNDROME WITH HIRSCHSPRUNG DISEASE, TYPE 4C. Identifiers: Orphanet 897, MedGen C2750452, MONDO:0013202, OMIM 613266.

Submission:

Institute of Rare Diseases, West China Hospital, Sichuan University
Classification: Likely pathogenic for Waardenburg syndrome type 4C. Last evaluated: 2025-01-09. Review status: criteria provided, single submitter. Criteria: ClinGen HL ACMG Specifications v1. Collection method: research. Allele origin: germline. Affected: yes.
Comment: PVS1;PM2_Supporting